The following is an entry in ClinVar:

ClinVar aggregate classification (germline): Uncertain significance (1 of 4 stars; one submission).

Conditions:
Fetal akinesia deformation sequence 1 (FADS1). Also called: Pena-Shokeir syndrome type I; Fetal akinesia sequence. Identifiers: Orphanet 994, MedGen C1276035, MONDO:0100101, OMIM 208150, HP:0001989.
Congenital myasthenic syndrome 11. Also called: Myasthenic syndrome, congenital, 11, associated with acetylcholine receptor deficiency; MYASTHENIC SYNDROME, CONGENITAL, Ie. Identifiers: Orphanet 590, MedGen C4225367, MONDO:0014588, OMIM 616326.

gnomAD v4.1: 22 of 1,608,302 alleles (0.0014%); highest among the groups gnomAD compares: Non-Finnish European, 0.0018%; no homozygotes.

Submission:

Labcorp Genetics (formerly Invitae), Labcorp
Classification: Uncertain significance for Congenital myasthenic syndrome 11; Fetal akinesia deformation sequence 1. Last evaluated: 2022-03-20. Review status: criteria provided, single submitter. Criteria: Invitae Variant Classification Sherloc (09022015). Collection method: clinical testing. Allele origin: germline.
Comment: This sequence change falls in intron 1 of the RAPSN gene. It does not directly change the encoded amino acid sequence of the RAPSN protein. It affects a nucleotide within the consensus splice site. This variant is present in population databases (rs752783661, gnomAD 0.003%). This variant has not been reported in the literature in individuals affected with RAPSN-related conditions. Variants that disrupt the consensus splice site are a relatively common cause of aberrant splicing (PMID: 17576681, 9536098). Algorithms developed to predict the effect of sequence changes on RNA splicing suggest that this variant may create or strengthen a splice site. In summary, the available evidence is currently insufficient to determine the role of this variant in disease. Therefore, it has been classified as a Variant of Uncertain Significance.

Literature cited by the submitters: PubMed 17576681; PubMed 9536098.

NM_005055.5(RAPSN):c.192+5G>T

Gene: RAPSN (receptor associated protein of the synapse; minus strand). Cytogenetic location: 11p11.2.
Variant type: single nucleotide variant.
Coding change: c.192+5G>T on transcript NM_005055.5 (MANE Select); 5 bases into the intron after coding-DNA position 192, G replaced by T.
Molecular consequence: intron variant.
Genome position (GRCh38, 1-based): chr11:47,448,768, C>A on the plus strand (G>T on the coding strand, the complement: RAPSN is on the minus strand). VCF-style: chr11-47448768-C-A. GRCh37 (hg19) VCF-style: chr11-47470320-C-A.
Other names: c.192+5G>T (NM_032645.5).
Identifiers: ClinVar variation 2149659 (VCV002149659.1), dbSNP rs752783661, ClinGen allele CA5976815.